The following is an entry in ClinVar:

NM_000053.4(ATP7B):c.3576C>T (p.Ile1192=)

Gene: ATP7B (ATPase copper transporting beta; minus strand). Cytogenetic location: 13q14.3.
Variant type: single nucleotide variant.
Coding change: c.3576C>T on transcript NM_000053.4 (MANE Select); coding-DNA position 3576, C replaced by T.
Protein change: p.Ile1192=; no amino-acid change (isoleucine 1192 retained).
Molecular consequence: synonymous variant.
Genome position (GRCh38, 1-based): chr13:51,939,174, G>A on the plus strand (C>T on the coding strand, the complement: ATP7B is on the minus strand). VCF-style: chr13-51939174-G-A. GRCh37 (hg19) VCF-style: chr13-52513310-G-A.
Other names: c.3576C>T (NM_000053.3); c.2955C>T, p.Ile985= (NM_001005918.3); c.3243C>T, p.Ile1081= (NM_001243182.2); c.3342C>T, p.Ile1114= (NM_001330578.2); c.3324C>T, p.Ile1108= (NM_001330579.2).
Identifiers: ClinVar variation 1111884 (VCV001111884.13), dbSNP rs774584291, ClinGen allele CA6988633.
Genomic context (GRCh38, chr13:51,939,174, plus strand): 5'-CATGCTCTGCAGCGTGTGCACAGCCAGGGCAGCCTCCTGCTTGACAGCGTCTGCGATTGC[G>A]ATCATCCCACAGAGCACACCTGGAGCGAACCAGCCAGCATCAGCAGCTACACAAGTTGGG-3'
Protein context (NP_000044.2, residues 1182-1202): VAIDGVLCGM[Ile1192=]AIADAVKQEA

ClinVar aggregate classification (germline): Likely benign. Review status: criteria provided, multiple submitters, no conflicts (2 of 4 stars). 6 submissions from 6 submitters: Likely benign (6). Last evaluated 2025-12-12.

Conditions:
Wilson disease (WND). Also called: Wilson's disease. Identifiers: Orphanet 905, MedGen C0019202, MONDO:0010200, OMIM 277900. Disease mechanism: loss of function.
ATP7B-related disorder. Also called: ATP7B-related condition.
Inborn genetic diseases. Identifiers: MedGen C0950123, MeSH D030342.

Allele frequency attached by ClinVar (database versions not stated): gnomAD exomes below 0.00001; ExAC 0.00001; gnomAD 0.00002 and 0.00003.
gnomAD v4.1: 10 of 1,613,598 alleles (0.00062%); highest among the groups gnomAD compares: African/African-American, 0.011%; no homozygotes.

Submissions (6):

PreventionGenetics, part of Exact Sciences
Classification: Likely benign for ATP7B-related condition. Last evaluated: 2025-12-12. Review status: criteria provided, single submitter. Criteria: ACMG Guidelines, 2015. Collection method: clinical testing. Allele origin: germline.
Comment: This variant is classified as likely benign based on ACMG/AMP sequence variant interpretation guidelines (Richards et al. 2015 PMID: 25741868, with internal and published modifications).

Labcorp Genetics (formerly Invitae), Labcorp
Classification: Likely benign for Wilson disease. Last evaluated: 2025-11-18. Review status: criteria provided, single submitter. Criteria: Invitae Variant Classification Sherloc (09022015). Collection method: clinical testing. Allele origin: germline.

All of Us Research Program, National Institutes of Health
Classification: Likely benign for Wilson disease. Last evaluated: 2023-02-10. Review status: criteria provided, single submitter. Criteria: ACMG Guidelines, 2015. Collection method: clinical testing. Allele origin: germline. Inheritance: Autosomal recessive inheritance. Observed: 1 variant allele, 1 heterozygote.
Comment: This study involves interpretation of variants in research participants for the purpose of population health screening. Participant phenotype was not available at the time of variant classification. Additional details can be found in publication PMID: 35346344, PMCID: PMC8962531

Ambry Genetics
Classification: Likely benign for Inborn genetic diseases. Last evaluated: 2022-12-19. Review status: criteria provided, single submitter. Criteria: Ambry Variant Classification Scheme 2023. Collection method: clinical testing. Allele origin: germline.

Color Diagnostics, LLC DBA Color Health
Classification: Likely benign for Wilson disease. Last evaluated: 2022-05-26. Review status: criteria provided, single submitter. Criteria: ACMG Guidelines, 2015. Collection method: clinical testing. Allele origin: germline.

Fulgent Genetics
Classification: Likely benign for Wilson disease. Last evaluated: 2021-12-22. Review status: criteria provided, single submitter. Criteria: ACMG Guidelines, 2015. Collection method: clinical testing. Allele origin: unknown.